The following is an entry in ClinVar:

NM_002473.6(MYH9):c.815G>A (p.Arg272Gln)

Gene: MYH9 (myosin heavy chain 9; minus strand). Cytogenetic location: 22q12.3.
Variant type: single nucleotide variant.
Coding change: c.815G>A on transcript NM_002473.6 (MANE Select); coding-DNA position 815, G replaced by A.
Protein change: p.Arg272Gln; replaces arginine 272 with glutamine.
Molecular consequence: missense variant.
Genome position (GRCh38, 1-based): chr22:36,320,851, C>T on the plus strand (G>A on the coding strand, the complement: MYH9 is on the minus strand). VCF-style: chr22-36320851-C-T. GRCh37 (hg19) VCF-style: chr22-36716896-C-T.
Other names: short protein forms R272Q.
Identifiers: ClinVar variation 2874669 (VCV002874669.3), dbSNP rs1169742196, ClinGen allele CA411405601.

ClinVar aggregate classification (germline): Uncertain significance (1 of 4 stars; one submission).

Allele frequency attached by ClinVar (database versions not stated): gnomAD exomes below 0.00001.
gnomAD v4.1: 5 of 1,614,092 alleles (0.00031%); highest among the groups gnomAD compares: Non-Finnish European, 0.00025%; no homozygotes.

Submission:

Labcorp Genetics (formerly Invitae), Labcorp
Classification: Uncertain significance. Last evaluated: 2025-01-06. Review status: criteria provided, single submitter. Criteria: Invitae Variant Classification Sherloc (09022015). Collection method: clinical testing. Allele origin: germline.
Comment: This sequence change replaces arginine, which is basic and polar, with glutamine, which is neutral and polar, at codon 272 of the MYH9 protein (p.Arg272Gln). This variant is present in population databases (no rsID available, gnomAD 0.01%). This variant has not been reported in the literature in individuals affected with MYH9-related conditions. ClinVar contains an entry for this variant (Variation ID: 2874669). Invitae Evidence Modeling of protein sequence and biophysical properties (such as structural, functional, and spatial information, amino acid conservation, physicochemical variation, residue mobility, and thermodynamic stability) indicates that this missense variant is expected to disrupt MYH9 protein function with a positive predictive value of 80%. In summary, the available evidence is currently insufficient to determine the role of this variant in disease. Therefore, it has been classified as a Variant of Uncertain Significance.